The following is an entry in ClinVar:

NM_002474.3(MYH11):c.2940C>G (p.Ile980Met)

Gene: MYH11 (myosin heavy chain 11; minus strand). Cytogenetic location: 16p13.11.
Variant type: single nucleotide variant.
Coding change: c.2940C>G on transcript NM_002474.3 (MANE Select); coding-DNA position 2940, C replaced by G.
Protein change: p.Ile980Met; replaces isoleucine 980 with methionine.
Molecular consequence: missense variant.
Genome position (GRCh38, 1-based): chr16:15,740,108, G>C on the plus strand (C>G on the coding strand, the complement: MYH11 is on the minus strand). VCF-style: chr16-15740108-G-C. GRCh37 (hg19) VCF-style: chr16-15833965-G-C.
Other names: c.2961C>G, p.Ile987Met (NM_001040113.2, NM_001040114.2); c.2940C>G, p.Ile980Met (NM_022844.3); short protein forms I987M, I980M.
Identifiers: ClinVar variation 921915 (VCV000921915.3), dbSNP rs2041231212, ClinGen allele CA394864696.

ClinVar aggregate classification (germline): Uncertain significance (1 of 4 stars; one submission).

Conditions:
Familial thoracic aortic aneurysm and aortic dissection (TAAD). Also called: Thoracic aortic aneurysms and dissections. Identifiers: Orphanet 91387, MedGen C4707243, MONDO:0019625.

Submission:

Color Diagnostics, LLC DBA Color Health
Classification: Uncertain significance for Familial thoracic aortic aneurysm and aortic dissection. Last evaluated: 2019-01-03. Review status: criteria provided, single submitter. Criteria: ACMG Guidelines, 2015. Collection method: clinical testing. Allele origin: germline.
Comment: Variant of Uncertain Significance due to insufficient evidence: This missense variant is located in the coiled coil myosin tail domain of the MYH11 protein. Computational prediction tools and conservation analyses are inconclusive regarding the impact of this variant on the protein function. Computational splicing tools suggest that this variant may not impact RNA splicing. To our knowledge, functional assays have not been performed for this variant nor has this variant been reported in individuals affected with cardiovascular disorders in the literature. This variant is rare in the general population and has been identified in 0/277264 chromosomes by the Genome Aggregation Database (gnomAD). Available evidence is insufficient to determine the role of this variant in disease conclusively.